The following is an entry in ClinVar:

ClinVar aggregate classification (germline): Likely benign. Review status: criteria provided, single submitter (1 of 4 stars). 2 submissions from 2 submitters: Likely benign (1). 1 of the submissions does not count toward it. Last evaluated 2024-10-15.

Conditions:
RELN-related disorder. Also called: RELN-related condition.
Norman-Roberts syndrome (LIS2). Also called: Lissencephaly 2 (Norman-Roberts type). Identifiers: Orphanet 89844, MedGen C0796089, MONDO:0009760, OMIM 257320.
Familial temporal lobe epilepsy 7. Identifiers: Orphanet 101046, MedGen C4225327, MONDO:0014639, OMIM 616436.

Allele frequency attached by ClinVar (database versions not stated): gnomAD exomes below 0.00001; ExAC 0.00001; TOPMed 0.00002; gnomAD 0.00003 and 0.00004.
gnomAD v4.1: 11 of 1,589,816 alleles (0.00069%); highest among the groups gnomAD compares: African/African-American, 0.0081%; no homozygotes.

Submissions (2):

Labcorp Genetics (formerly Invitae), Labcorp
Classification: Likely benign for Familial temporal lobe epilepsy 7; Norman-Roberts syndrome. Last evaluated: 2024-10-15. Review status: criteria provided, single submitter. Criteria: Invitae Variant Classification Sherloc (09022015). Collection method: clinical testing. Allele origin: germline.

PreventionGenetics, part of Exact Sciences
Classification: Likely benign for RELN-related condition. Last evaluated: 2024-08-15. Review status: no assertion criteria provided. Collection method: clinical testing. Allele origin: germline. Not counted in ClinVar's aggregate classification.
Comment: This variant is classified as likely benign based on ACMG/AMP sequence variant interpretation guidelines (Richards et al. 2015 PMID: 25741868, with internal and published modifications).

NM_005045.4(RELN):c.37C>T (p.Leu13=)

Gene: RELN (reelin; minus strand). Cytogenetic location: 7q22.1.
Variant type: single nucleotide variant.
Coding change: c.37C>T on transcript NM_005045.4 (MANE Select); coding-DNA position 37, C replaced by T.
Protein change: p.Leu13=; no amino-acid change (leucine 13 retained).
Molecular consequence: synonymous variant.
Genome position (GRCh38, 1-based): chr7:103,989,320, G>A on the plus strand (C>T on the coding strand, the complement: RELN is on the minus strand). VCF-style: chr7-103989320-G-A. GRCh37 (hg19) VCF-style: chr7-103629767-G-A.
Other names: c.37C>T, p.Leu13= (NM_173054.3).
Identifiers: ClinVar variation 756623 (VCV000756623.11), dbSNP rs775635007, ClinGen allele CA4422739.
Genomic context (GRCh38, chr7:103,989,320, plus strand): 5'-AGCGGGGGTAATAGCCAGCCGCCGCGCGCGCCCTCAGCGTCGCCCCCAGCAACAGCGCTA[G>A]GAGGAAAGTCTGCCGGGCCCAGCCACTGCGCTCCATGCCGCCGCCGCCGCCGCCGCCGCC-3'
Protein context (NP_005036.2, residues 3-23): RSGWARQTFL[Leu13=]ALLLGATLRA